The following is an entry in ClinVar:

NM_001165963.4(SCN1A):c.154A>G (p.Asn52Asp)

Gene: SCN1A (sodium voltage-gated channel alpha subunit 1; minus strand). Cytogenetic location: 2q24.3.
Variant type: single nucleotide variant.
Coding change: c.154A>G on transcript NM_001165963.4 (MANE Select); coding-DNA position 154, A replaced by G.
Protein change: p.Asn52Asp; replaces asparagine 52 with aspartic acid.
Molecular consequence: missense variant. On other transcripts: 5 prime UTR variant (1), non-coding transcript variant (1).
Genome position (GRCh38, 1-based): chr2:166,073,468, T>C on the plus strand (A>G on the coding strand, the complement: SCN1A is on the minus strand). VCF-style: chr2-166073468-T-C. GRCh37 (hg19) VCF-style: chr2-166929978-T-C.
Other names: c.154A>G, p.Asn52Asp (NM_001165964.3, NM_001202435.3, NM_001353948.2 and 10 more transcripts); c.-2272A>G (NM_001353961.2); short protein forms N52D.
Identifiers: ClinVar variation 2633577 (VCV002633577.3), dbSNP rs2468365647, ClinGen allele CA349243014.

ClinVar aggregate classification (germline): Uncertain significance (0 of 4 stars; one submission).

Conditions:
SCN1A-related disorder. Also called: SCN1A-related disorders; SCN1A-related conditions; SCN1A-related condition.

Allele frequency attached by ClinVar (database versions not stated): gnomAD exomes below 0.00001.

Submission:

PreventionGenetics, part of Exact Sciences
Classification: Uncertain significance for SCN1A-related condition. Last evaluated: 2023-11-30. Review status: no assertion criteria provided. Collection method: clinical testing. Allele origin: germline.
Comment: The SCN1A c.154A>G variant is predicted to result in the amino acid substitution p.Asn52Asp. To our knowledge, this variant has not been reported in the literature or in a large population database, indicating this variant is rare. At this time, the clinical significance of this variant is uncertain due to the absence of conclusive functional and genetic evidence.